The following is an entry in ClinVar:

NM_014484.5(MOCS3):c.724G>T (p.Gly242Cys)

Gene: MOCS3 (molybdenum cofactor synthesis 3; plus strand). Cytogenetic location: 20q13.13.
Variant type: single nucleotide variant.
Coding change: c.724G>T on transcript NM_014484.5 (MANE Select); coding-DNA position 724, G replaced by T.
Protein change: p.Gly242Cys; replaces glycine 242 with cysteine.
Molecular consequence: missense variant.
Genome position (GRCh38, 1-based): chr20:50,959,566, G>T. VCF-style: chr20-50959566-G-T. GRCh37 (hg19) VCF-style: chr20-49576103-G-T.
Other names: short protein forms G242C.
Identifiers: ClinVar variation 4732985 (VCV004732985.1).

ClinVar aggregate classification (germline): Uncertain significance (1 of 4 stars; one submission).

Submission:

Labcorp Genetics (formerly Invitae), Labcorp
Classification: Uncertain significance. Last evaluated: 2025-12-11. Review status: criteria provided, single submitter. Criteria: Invitae Variant Classification Sherloc (09022015). Collection method: clinical testing. Allele origin: germline.
Comment: This sequence change replaces glycine, which is neutral and non-polar, with cysteine, which is neutral and slightly polar, at codon 242 of the MOCS3 protein (p.Gly242Cys). This variant is not present in population databases (gnomAD no frequency). This variant has not been reported in the literature in individuals affected with MOCS3-related conditions. An algorithm developed to predict the effect of missense changes on protein structure and function (PolyPhen-2) suggests that this variant is likely to be disruptive. In summary, the available evidence is currently insufficient to determine the role of this variant in disease. Therefore, it has been classified as a Variant of Uncertain Significance.